The following is an entry in ClinVar:

ClinVar aggregate classification (germline): Uncertain significance. Review status: criteria provided, multiple submitters, no conflicts (2 of 4 stars). 4 submissions from 4 submitters: Uncertain significance (4). Last evaluated 2025-11-15.

Conditions:
Autosomal dominant familial hematuria-retinal arteriolar tortuosity-contractures syndrome. Also called: Hereditary Angiopathy with Nephropathy, Aneurysms, and Muscle Cramps (HANAC) Syndrome; Angiopathy, hereditary, with nephropathy, aneurysms, and muscle cramps. Identifiers: Orphanet 73229, MedGen C2673195, MONDO:0012726, OMIM 611773.
Hemorrhage, intracerebral, susceptibility to (ICH). Also called: Stroke, hemorrhagic, susceptibility to. Identifiers: MedGen C3281105, MONDO:0100533, OMIM 614519.
Retinal arterial tortuosity. Also called: Retinal arteries, tortuosity of; RETINAL HEMORRHAGE WITH VASCULAR TORTUOSITY. Identifiers: Orphanet 75326, MedGen C0423401, MONDO:0008373, OMIM 180000, HP:0000631.
Microangiopathy and leukoencephalopathy, pontine, autosomal dominant. Also called: Pontine autosomal dominant microangiopathy with leukoencephalopathy; DEMENTIA, HEREDITARY MULTI-INFARCT, SWEDISH TYPE. Identifiers: Orphanet 477749, MedGen C5231411, MONDO:0032814, OMIM 618564.
Brain small vessel disease 1 with or without ocular anomalies (BSVD1). Also called: GOULD SYNDROME 1; Brain small vessel disease with or without ocular anomalies; PORENCEPHALY, TYPE 1, AUTOSOMAL DOMINANT; BRAIN SMALL VESSEL DISEASE WITH HEMORRHAGE. Identifiers: Orphanet 2940, Orphanet 36383, Orphanet 99810, MedGen C4755307, MONDO:0008289, OMIM 175780.
Inborn genetic diseases. Identifiers: MedGen C0950123, MeSH D030342.

Allele frequency attached by ClinVar (database versions not stated): gnomAD exomes 0.00001; ExAC 0.00002.
gnomAD v4.1: 25 of 1,613,744 alleles (0.0015%); highest among the groups gnomAD compares: Admixed American, 0.0067%; no homozygotes.

Submissions (4):

Labcorp Genetics (formerly Invitae), Labcorp
Classification: Uncertain significance. Last evaluated: 2025-11-15. Review status: criteria provided, single submitter. Criteria: Invitae Variant Classification Sherloc (09022015). Collection method: clinical testing. Allele origin: germline.
Comment: This sequence change replaces proline, which is neutral and non-polar, with leucine, which is neutral and non-polar, at codon 654 of the COL4A1 protein (p.Pro654Leu). This variant is present in population databases (rs758315813, gnomAD 0.009%). This variant has not been reported in the literature in individuals affected with COL4A1-related conditions. ClinVar contains an entry for this variant (Variation ID: 2063551). Invitae Evidence Modeling of protein sequence and biophysical properties (such as structural, functional, and spatial information, amino acid conservation, physicochemical variation, residue mobility, and thermodynamic stability) indicates that this missense variant is not expected to disrupt COL4A1 protein function with a negative predictive value of 95%. In summary, the available evidence is currently insufficient to determine the role of this variant in disease. Therefore, it has been classified as a Variant of Uncertain Significance.

CeGaT Center for Human Genetics Tuebingen
Classification: Uncertain significance. Last evaluated: 2024-12-01. Review status: criteria provided, single submitter. Criteria: CeGaT Center For Human Genetics Tuebingen Variant Classification Criteria Version 2. Collection method: clinical testing. Allele origin: germline. Affected: yes. Observed: 1 variant allele.

Fulgent Genetics
Classification: Uncertain significance for Brain small vessel disease 1 with or without ocular anomalies; Retinal arterial tortuosity; Autosomal dominant familial hematuria-retinal arteriolar tortuosity-contractures syndrome; Hemorrhage, intracerebral, susceptibility to; Microangiopathy and leukoencephalopathy, pontine, autosomal dominant. Last evaluated: 2024-06-25. Review status: criteria provided, single submitter. Criteria: ACMG Guidelines, 2015. Collection method: clinical testing. Allele origin: germline.

Ambry Genetics
Classification: Uncertain significance for Inborn genetic diseases. Last evaluated: 2022-06-03. Review status: criteria provided, single submitter. Criteria: Ambry Variant Classification Scheme 2023. Collection method: clinical testing. Allele origin: germline.

NM_001845.6(COL4A1):c.1961C>T (p.Pro654Leu)

Gene: COL4A1 (collagen type IV alpha 1 chain; minus strand). Cytogenetic location: 13q34.
Variant type: single nucleotide variant.
Coding change: c.1961C>T on transcript NM_001845.6 (MANE Select); coding-DNA position 1961, C replaced by T.
Protein change: p.Pro654Leu; replaces proline 654 with leucine.
Molecular consequence: missense variant.
Genome position (GRCh38, 1-based): chr13:110,183,213, G>A on the plus strand (C>T on the coding strand, the complement: COL4A1 is on the minus strand). VCF-style: chr13-110183213-G-A. GRCh37 (hg19) VCF-style: chr13-110835560-G-A.
Other names: short protein forms P654L.
Identifiers: ClinVar variation 2063551 (VCV002063551.19), dbSNP rs758315813, ClinGen allele CA7047773.